The following is an entry in ClinVar:

NM_000426.4(LAMA2):c.7439+1G>A

Gene: LAMA2 (laminin subunit alpha 2; plus strand). Cytogenetic location: 6q22.33.
Variant type: single nucleotide variant.
Coding change: c.7439+1G>A on transcript NM_000426.4 (MANE Select); the canonical splice donor site of the intron after coding-DNA position 7439, G replaced by A.
Molecular consequence: splice donor variant.
Genome position (GRCh38, 1-based): chr6:129,473,353, G>A. VCF-style: chr6-129473353-G-A. GRCh37 (hg19) VCF-style: chr6-129794498-G-A.
Other names: c.7439+1G>A (NM_001079823.2).
Identifiers: ClinVar variation 287415 (VCV000287415.8), dbSNP rs886043630, ClinGen allele CA10605757.
Genomic context (GRCh38, chr6:129,473,353, plus strand): 5'-TGACTTGAAAGCAGATGACAAAATATATTTTGGTGGCCTGCCAACGCTGAGAAACTTGAG[G>A]TAATTTAGTTTATATGTAAAGCTAAGGATTAAGTTTTAATTAAATGACCACTATGCTCAC-3'

ClinVar aggregate classification (germline): Pathogenic. Review status: criteria provided, multiple submitters, no conflicts (2 of 4 stars). 2 submissions from 2 submitters: Pathogenic (2). Last evaluated 2023-07-19.

Conditions:
LAMA2-related muscular dystrophy (LAMA2-RD). Also called: Laminin alpha 2-related dystrophy. Identifiers: MedGen C5679788, MONDO:0100228.

Allele frequency attached by ClinVar (database versions not stated): gnomAD exomes below 0.00001.
gnomAD v4.1: 1 of 1,611,932 alleles (0.000062%); highest among the groups gnomAD compares: South Asian, 0.0011%; no homozygotes.

Submissions (2):

Labcorp Genetics (formerly Invitae), Labcorp
Classification: Pathogenic for LAMA2-related muscular dystrophy. Last evaluated: 2023-07-19. Review status: criteria provided, single submitter. Criteria: Invitae Variant Classification Sherloc (09022015). Collection method: clinical testing. Allele origin: germline.
Comment: This sequence change affects a donor splice site in intron 52 of the LAMA2 gene. It is expected to disrupt RNA splicing. Variants that disrupt the donor or acceptor splice site typically lead to a loss of protein function (PMID: 16199547), and loss-of-function variants in LAMA2 are known to be pathogenic (PMID: 18700894, 32904964). This variant is present in population databases (no rsID available, gnomAD 0.003%). Disruption of this splice site has been observed in individual(s) with congenital muscular dystrophy (PMID: 20207543). ClinVar contains an entry for this variant (Variation ID: 287415). Algorithms developed to predict the effect of sequence changes on RNA splicing suggest that this variant may disrupt the consensus splice site. For these reasons, this variant has been classified as Pathogenic.

Eurofins Ntd Llc (ga)
Classification: Pathogenic. Last evaluated: 2016-05-09. Review status: criteria provided, single submitter. Criteria: EGL Classification Definitions 2015. Collection method: clinical testing. Allele origin: germline. Observed: 1 variant allele, 1 homozygote.

Literature cited by the submitters: PubMed 16199547 (cited by Labcorp Genetics (formerly Invitae), Labcorp); PubMed 18700894 (cited by Labcorp Genetics (formerly Invitae), Labcorp); PubMed 32904964 (cited by Labcorp Genetics (formerly Invitae), Labcorp); PubMed 20207543 (cited by Labcorp Genetics (formerly Invitae), Labcorp).